The following is an entry in ClinVar:

NM_005633.4(SOS1):c.3329C>T (p.Ser1110Leu)

Gene: SOS1 (SOS Ras/Rac guanine nucleotide exchange factor 1; minus strand). Cytogenetic location: 2p22.1.
Variant type: single nucleotide variant.
Coding change: c.3329C>T on transcript NM_005633.4 (MANE Select); coding-DNA position 3329, C replaced by T.
Protein change: p.Ser1110Leu; replaces serine 1110 with leucine.
Molecular consequence: missense variant.
Genome position (GRCh38, 1-based): chr2:38,995,140, G>A on the plus strand (C>T on the coding strand, the complement: SOS1 is on the minus strand). VCF-style: chr2-38995140-G-A. GRCh37 (hg19) VCF-style: chr2-39222281-G-A.
Other names: c.3308C>T, p.Ser1103Leu (NM_001382394.1); c.3329C>T, p.Ser1110Leu (NM_001382395.1); short protein forms S1110L, S1103L.
Identifiers: ClinVar variation 372623 (VCV000372623.22), dbSNP rs572955351, ClinGen allele CA1624222.
Genomic context (GRCh38, chr2:38,995,140, plus strand): 5'-GTACTAACAAATACCTTAATGCACTTAGAATTTTTGCACCTACTTGAGTGAAAAGGGCTC[G>A]AATGATCGGAATCAAATACACTGCAAACATCTGTGGTACTGGAAGCACCAGAAGCAGGCG-3'
Protein context (NP_005624.2, residues 1100-1120): DVCSVFDSDH[Ser1110Leu]SPFHSSNDTV

ClinVar aggregate classification (germline): Conflicting classifications of pathogenicity. Review status: criteria provided, conflicting classifications (1 of 4 stars). 5 submissions from 5 submitters: Uncertain significance (1); Likely benign (3). 1 of the submissions does not count toward it. Last evaluated 2026-08-04.

Conditions:
Cardiovascular phenotype. Identifiers: MedGen CN230736.
RASopathy. Also called: rasopathies; Noonan spectrum disorder. Identifiers: Orphanet 536391, MedGen C5555857, MONDO:0021060.
SOS1-related disorder. Also called: SOS1-related condition.

Allele frequency attached by ClinVar (database versions not stated): ExAC 0.00002; TOPMed 0.00006; gnomAD exomes 0.00002; 1000 Genomes Project 30x 0.00016; 1000 Genomes Project 0.00020.
gnomAD v4.1: 19 of 1,613,900 alleles (0.0012%); highest among the groups gnomAD compares: African/African-American, 0.016%; no homozygotes.

Submissions (5):

Ambry Genetics
Classification: Uncertain significance for Cardiovascular phenotype. Last evaluated: 2026-08-04. Review status: criteria provided, single submitter. Criteria: Ambry Variant Classification Scheme 2023. Collection method: clinical testing. Allele origin: germline.
Comment: The c.3329C>T (p.S1110L) alteration is located in exon 20 (coding exon 20) of the SOS1 gene. This alteration results from a C to T substitution at nucleotide position 3329, causing the serine (S) at amino acid position 1110 to be replaced by a leucine (L). Based on data from gnomAD, the T allele has an overall frequency of 0.002% (6/282096) total alleles studied. The highest observed frequency was 0.024% (6/24966) of African alleles. Based on insufficient or conflicting evidence, the clinical significance of this alteration remains unclear.

Labcorp Genetics (formerly Invitae), Labcorp
Classification: Likely benign for RASopathy. Last evaluated: 2025-09-20. Review status: criteria provided, single submitter. Criteria: Invitae Variant Classification Sherloc (09022015). Collection method: clinical testing. Allele origin: germline.

Blueprint Genetics
Classification: Likely benign. Last evaluated: 2023-08-21. Review status: criteria provided, single submitter. Criteria: ACMG Guidelines, 2015. Collection method: clinical testing. Allele origin: germline.

GeneDx
Classification: Likely benign. Last evaluated: 2018-05-09. Review status: criteria provided, single submitter. Criteria: GeneDx Variant Classification Process June 2021. Collection method: clinical testing. Allele origin: germline. Affected: yes.

PreventionGenetics, part of Exact Sciences
Classification: Uncertain significance for SOS1-related condition. Last evaluated: 2024-02-05. Review status: no assertion criteria provided. Collection method: clinical testing. Allele origin: germline. Not counted in ClinVar's aggregate classification.
Comment: The SOS1 c.3329C>T variant is predicted to result in the amino acid substitution p.Ser1110Leu. To our knowledge, this variant has not been reported in the literature. This variant is reported in 0.024% of alleles in individuals of African descent in gnomAD, which may be too frequent to be an undocumented cause of disease (Gelb et al. 2018. PubMed ID 29493581). Although we suspect that this variant may be benign, at this time, the clinical significance of this variant is uncertain due to the absence of conclusive functional and genetic evidence.